The following is an entry in ClinVar:

NM_003242.6(TGFBR2):c.538A>G (p.Ile180Val)

Gene: TGFBR2 (transforming growth factor beta receptor 2; plus strand). Cytogenetic location: 3p24.1.
Variant type: single nucleotide variant.
Coding change: c.538A>G on transcript NM_003242.6 (MANE Select); coding-DNA position 538, A replaced by G.
Protein change: p.Ile180Val; replaces isoleucine 180 with valine.
Molecular consequence: missense variant.
Genome position (GRCh38, 1-based): chr3:30,671,721, A>G. VCF-style: chr3-30671721-A-G. GRCh37 (hg19) VCF-style: chr3-30713213-A-G.
Other names: c.613A>G, p.Ile205Val (NM_001024847.3); c.721A>G, p.Ile241Val (NM_001407126.1); c.646A>G, p.Ile216Val (NM_001407127.1); c.565A>G, p.Ile189Val (NM_001407128.1); c.541A>G, p.Ile181Val (NM_001407129.1); c.538A>G, p.Ile180Val (NM_001407130.1); c.433A>G, p.Ile145Val (NM_001407132.1, NM_001407133.1, NM_001407134.1 and 2 more transcripts); c.253A>G, p.Ile85Val (NM_001407137.1); and 1 more; short protein forms I180V, I205V, I145V, I60V, I181V, I241V, I189V, I216V.
Identifiers: ClinVar variation 1171145 (VCV001171145.10), dbSNP rs1699340728, ClinGen allele CA351807321.
Genomic context (GRCh38, chr3:30,671,721, plus strand): 5'-TTGTTGCTAGTCATATTTCAAGTGACAGGCATCAGCCTCCTGCCACCACTGGGAGTTGCC[A>G]TATCTGTCATCATCATCTTCTACTGCTACCGCGTTAACCGGCAGCAGAAGCTGAGTTCAA-3'
Protein context (NP_003233.4, residues 170-190): ISLLPPLGVA[Ile180Val]SVIIIFYCYR

ClinVar aggregate classification (germline): Uncertain significance. Review status: criteria provided, multiple submitters, no conflicts (2 of 4 stars). 4 submissions from 4 submitters: Uncertain significance (4). Last evaluated 2025-05-14.

Conditions:
Familial thoracic aortic aneurysm and aortic dissection (TAAD). Also called: Thoracic aortic aneurysms and dissections. Identifiers: Orphanet 91387, MedGen C4707243, MONDO:0019625.
Loeys-Dietz syndrome 2 (LDS2). Also called: AORTIC ANEURYSM, FAMILIAL THORACIC 3; MARFAN SYNDROME, TYPE II; Marfan Syndrome type 2; Marfan like connective tissue disorder; MFS 2; TGFBR2-Related Loeys-Dietz Syndrome. Identifiers: Orphanet 284973, Orphanet 558, MedGen C2674574, MONDO:0012427, OMIM 610168.

Allele frequency attached by ClinVar (database versions not stated): gnomAD exomes below 0.00001.
gnomAD v4.1: 5 of 1,614,160 alleles (0.00031%); highest among the groups gnomAD compares: Non-Finnish European, 0.00034%; no homozygotes.

Submissions (4):

Labcorp Genetics (formerly Invitae), Labcorp
Classification: Uncertain significance for Familial thoracic aortic aneurysm and aortic dissection. Last evaluated: 2025-05-14. Review status: criteria provided, single submitter. Criteria: Invitae Variant Classification Sherloc (09022015). Collection method: clinical testing. Allele origin: germline.
Comment: This sequence change replaces isoleucine, which is neutral and non-polar, with valine, which is neutral and non-polar, at codon 180 of the TGFBR2 protein (p.Ile180Val). This variant is not present in population databases (gnomAD no frequency). This variant has not been reported in the literature in individuals affected with TGFBR2-related conditions. ClinVar contains an entry for this variant (Variation ID: 1171145). Invitae Evidence Modeling of protein sequence and biophysical properties (such as structural, functional, and spatial information, amino acid conservation, physicochemical variation, residue mobility, and thermodynamic stability) indicates that this missense variant is not expected to disrupt TGFBR2 protein function with a negative predictive value of 95%. In summary, the available evidence is currently insufficient to determine the role of this variant in disease. Therefore, it has been classified as a Variant of Uncertain Significance.

Color Diagnostics, LLC DBA Color Health
Classification: Uncertain significance for Familial thoracic aortic aneurysm and aortic dissection. Last evaluated: 2024-03-06. Review status: criteria provided, single submitter. Criteria: ACMG Guidelines, 2015. Collection method: clinical testing. Allele origin: germline.
Comment: This missense variant replaces isoleucine with valine at codon 180 of the TGFBR2 protein. Computational prediction suggests that this variant may not impact protein structure and function (internally defined REVEL score threshold <= 0.5, PMID: 27666373). To our knowledge, functional studies have not been reported for this variant. This variant has not been reported in individuals affected with TGFBR2-related disorders in the literature. This variant has not been identified in the general population by the Genome Aggregation Database (gnomAD). The available evidence is insufficient to determine the role of this variant in disease conclusively. Therefore, this variant is classified as a Variant of Uncertain Significance.

All of Us Research Program, National Institutes of Health
Classification: Uncertain significance for Loeys-Dietz syndrome 2. Last evaluated: 2023-11-30. Review status: criteria provided, single submitter. Criteria: ACMG Guidelines, 2015. Collection method: clinical testing. Allele origin: germline. Inheritance: Autosomal dominant inheritance. Observed: 2 variant alleles, 2 heterozygotes.
Comment: This missense variant replaces isoleucine with valine at codon 180 of the TGFBR2 protein. Computational prediction suggests that this variant may not impact protein structure and function (internally defined REVEL score threshold <= 0.5, PMID: 27666373). To our knowledge, functional studies have not been reported for this variant. This variant has not been reported in individuals affected with cardiovascular disorders in the literature. This variant has not been identified in the general population by the Genome Aggregation Database (gnomAD). The available evidence is insufficient to determine the role of this variant in disease conclusively. Therefore, this variant is classified as a Variant of Uncertain Significance.

This study involves interpretation of variants in research participants for the purpose of population health screening. Participant phenotype was not available at the time of variant classification. Additional details can be found in publication PMID: 35346344, PMCID: PMC8962531

GeneDx
Classification: Uncertain significance. Last evaluated: 2019-06-04. Review status: criteria provided, single submitter. Criteria: GeneDx Variant Classification Process June 2021. Collection method: clinical testing. Allele origin: germline. Affected: yes.
Comment: Has not been previously published as pathogenic or benign to our knowledge; Not observed in large population cohorts (Lek et al., 2016); In silico analysis, which includes protein predictors and evolutionary conservation, supports that this variant does not alter protein structure/function